The following is an entry in ClinVar:

NM_001244008.2(KIF1A):c.4327C>T (p.Arg1443Cys)

Gene: KIF1A (kinesin family member 1A; minus strand). Cytogenetic location: 2q37.3.
Variant type: single nucleotide variant.
Coding change: c.4327C>T on transcript NM_001244008.2 (MANE Select); coding-DNA position 4327, C replaced by T.
Protein change: p.Arg1443Cys; replaces arginine 1443 with cysteine.
Molecular consequence: missense variant.
Genome position (GRCh38, 1-based): chr2:240,723,550, G>A on the plus strand (C>T on the coding strand, the complement: KIF1A is on the minus strand). VCF-style: chr2-240723550-G-A. GRCh37 (hg19) VCF-style: chr2-241662967-G-A.
Other names: c.4051C>T, p.Arg1351Cys (NM_001320705.2, NM_001379649.1); c.4078C>T, p.Arg1360Cys (NM_001330289.2); c.4126C>T, p.Arg1376Cys (NM_001330290.2, NM_001379648.1); c.4402C>T, p.Arg1468Cys (NM_001379631.1); c.4303C>T, p.Arg1435Cys (NM_001379632.1); c.4300C>T, p.Arg1434Cys (NM_001379633.1, NM_001379645.1); c.4153C>T, p.Arg1385Cys (NM_001379634.1); c.4150C>T, p.Arg1384Cys (NM_001379635.1, NM_001379646.1); and 7 more; short protein forms R1342C, R1351C, R1360C, R1434C, R1443C, R1359C, R1367C, R1376C.
Identifiers: ClinVar variation 2929234 (VCV002929234.3), dbSNP rs1322130179, ClinGen allele CA351305680.
Genomic context (GRCh38, chr2:240,723,550, plus strand): 5'-CCAGGTTCTCCTCGCCCCGGACATAGGCCACAGATGTGTCCAGGACTCGTCGGCGCCGGC[G>A]CTGCATCCCTGCATGGGGCACGTGGACATTCCACCCCTACCTGATGGGTGGCTGCTCCTC-3'
Protein context (NP_001230937.1, residues 1433-1453): VADAGSPGMQ[Arg1443Cys]RRRRVLDTSV

ClinVar aggregate classification (germline): Uncertain significance (1 of 4 stars; one submission).

Conditions:
Neuropathy, hereditary sensory, type 2C. Also called: Hereditary sensory and autonomic neuropathy type IIC; KIF1A-Related HSAN2 (HSAN2C). Identifiers: Orphanet 970, MedGen C3280168, MONDO:0013634, OMIM 614213.
Hereditary spastic paraplegia 30. Identifiers: Orphanet 101010, MedGen C5235139, MONDO:0012476.
Intellectual disability, autosomal dominant 9 (NESCAVS). Also called: NESCAV SYNDROME; KIF1A-Related Neurodevelopmental Disorder. Identifiers: Orphanet 662367, MedGen C5393830, MONDO:0013656, OMIM 614255.

Allele frequency attached by ClinVar (database versions not stated): gnomAD exomes below 0.00001.
gnomAD v4.1: 6 of 1,535,842 alleles (0.00039%); highest among the groups gnomAD compares: Non-Finnish European, 0.00053%; no homozygotes.

Submission:

Labcorp Genetics (formerly Invitae), Labcorp
Classification: Uncertain significance for Hereditary spastic paraplegia 30; Neuropathy, hereditary sensory, type 2C; Intellectual disability, autosomal dominant 9. Last evaluated: 2024-08-06. Review status: criteria provided, single submitter. Criteria: Invitae Variant Classification Sherloc (09022015). Collection method: clinical testing. Allele origin: germline.
Comment: This sequence change replaces arginine, which is basic and polar, with cysteine, which is neutral and slightly polar, at codon 1342 of the KIF1A protein (p.Arg1342Cys). This variant is not present in population databases (gnomAD no frequency). This variant has not been reported in the literature in individuals affected with KIF1A-related conditions. Advanced modeling of protein sequence and biophysical properties (such as structural, functional, and spatial information, amino acid conservation, physicochemical variation, residue mobility, and thermodynamic stability) performed at Invitae indicates that this missense variant is not expected to disrupt KIF1A protein function with a negative predictive value of 95%. In summary, the available evidence is currently insufficient to determine the role of this variant in disease. Therefore, it has been classified as a Variant of Uncertain Significance.